The following is an entry in ClinVar:

NM_001378454.1(ALMS1):c.6560del (p.Gly2187fs)

Gene: ALMS1 (ALMS1 centrosome and basal body associated protein; plus strand). Cytogenetic location: 2p13.1.
Variant type: Deletion.
Coding change: c.6560del on transcript NM_001378454.1 (MANE Select); coding-DNA position 6560, one base deleted (G; older notation c.6560delG).
Protein change: p.Gly2187fs; shifts the reading frame from glycine 2187.
Molecular consequence: frameshift variant.
Genome position (GRCh38, 1-based): chr2:73,453,087, G deleted; the last of 2 consecutive G bases (chr2:73,453,086-73,453,087); deleting either gives the same sequence. VCF-style (leftmost placement, unchanged base first): chr2-73453085-TG-T. GRCh37 (hg19) VCF-style: chr2-73680212-TG-T.
Other names: c.6563del, p.Gly2188fs (NM_015120.4); short protein forms G2187fs, G2188fs.
Identifiers: ClinVar variation 2773185 (VCV002773185.3), dbSNP rs2466109511, ClinGen allele CA2697548278.

ClinVar aggregate classification (germline): Pathogenic (1 of 4 stars; one submission).

Conditions:
Alstrom syndrome (ALMS). Identifiers: Orphanet 64, MedGen C0268425, MONDO:0008763, OMIM 203800.

Submission:

Labcorp Genetics (formerly Invitae), Labcorp
Classification: Pathogenic for Alstrom syndrome. Last evaluated: 2023-11-01. Review status: criteria provided, single submitter. Criteria: Invitae Variant Classification Sherloc (09022015). Collection method: clinical testing. Allele origin: germline.
Comment: This sequence change creates a premature translational stop signal (p.Gly2188Valfs*19) in the ALMS1 gene. It is expected to result in an absent or disrupted protein product. Loss-of-function variants in ALMS1 are known to be pathogenic (PMID: 17594715). This variant is not present in population databases (gnomAD no frequency). This variant has not been reported in the literature in individuals affected with ALMS1-related conditions. For these reasons, this variant has been classified as Pathogenic.

Literature cited by the submitters: PubMed 17594715.